The following is an entry in ClinVar:

NM_006389.5(HYOU1):c.932G>T (p.Arg311Leu)

Gene: HYOU1 (hypoxia up-regulated 1; minus strand). Cytogenetic location: 11q23.3.
Variant type: single nucleotide variant.
Coding change: c.932G>T on transcript NM_006389.5 (MANE Select); coding-DNA position 932, G replaced by T.
Protein change: p.Arg311Leu; replaces arginine 311 with leucine.
Molecular consequence: missense variant.
Genome position (GRCh38, 1-based): chr11:119,052,692, C>A on the plus strand (G>T on the coding strand, the complement: HYOU1 is on the minus strand). VCF-style: chr11-119052692-C-A. GRCh37 (hg19) VCF-style: chr11-118923404-C-A.
Other names: c.932G>T, p.Arg311Leu (NM_001130991.3, NM_001411041.1); short protein forms R311L.
Identifiers: ClinVar variation 4677445 (VCV004677445.2).

ClinVar aggregate classification (germline): Uncertain significance. Review status: criteria provided, multiple submitters, no conflicts (2 of 4 stars). 2 submissions from 2 submitters: Uncertain significance (2). Last evaluated 2025-09-28.

gnomAD v4.1: 2 of 1,614,196 alleles (0.00012%); highest among the groups gnomAD compares: African/African-American, 0.0013%; no homozygotes.

Submissions (2):

Ambry Genetics
Classification: Uncertain significance. Last evaluated: 2025-09-28. Review status: criteria provided, single submitter. Criteria: Ambry Variant Classification Scheme 2023. Collection method: clinical testing. Allele origin: germline.

Labcorp Genetics (formerly Invitae), Labcorp
Classification: Uncertain significance. Last evaluated: 2025-04-22. Review status: criteria provided, single submitter. Criteria: Invitae Variant Classification Sherloc (09022015). Collection method: clinical testing. Allele origin: germline.
Comment: This sequence change replaces arginine, which is basic and polar, with leucine, which is neutral and non-polar, at codon 311 of the HYOU1 protein (p.Arg311Leu). The frequency data for this variant in the population databases is considered unreliable, as metrics indicate poor data quality at this position in the gnomAD database. This variant has not been reported in the literature in individuals affected with HYOU1-related conditions. An algorithm developed to predict the effect of missense changes on protein structure and function (PolyPhen-2) suggests that this variant is likely to be tolerated. In summary, the available evidence is currently insufficient to determine the role of this variant in disease. Therefore, it has been classified as a Variant of Uncertain Significance.